The following is an entry in ClinVar:

ClinVar aggregate classification (germline): Pathogenic (1 of 4 stars; one submission).

Submission:

Labcorp Genetics (formerly Invitae), Labcorp
Classification: Pathogenic. Last evaluated: 2025-11-24. Review status: criteria provided, single submitter. Criteria: Invitae Variant Classification Sherloc (09022015). Collection method: clinical testing. Allele origin: germline.
Comment: This sequence change creates a premature translational stop signal (p.Ala392Argfs*41) in the ALPK3 gene. It is expected to result in an absent or disrupted protein product. Loss-of-function variants in ALPK3 are known to be pathogenic (PMID: 21441111, 26846950, 27106955, 34263907). This variant is not present in population databases (gnomAD no frequency). This variant has not been reported in the literature in individuals affected with ALPK3-related conditions. For these reasons, this variant has been classified as Pathogenic.

Literature cited by the submitters: PubMed 21441111; PubMed 26846950; PubMed 27106955; PubMed 34263907.

NM_020778.5(ALPK3):c.567_604del (p.Ala190fs)

Gene: ALPK3 (alpha kinase 3; plus strand). Cytogenetic location: 15q25.3.
Variant type: Deletion.
Coding change: c.567_604del on transcript NM_020778.5 (MANE Select); coding-DNA positions 567 to 604, 38 bases deleted.
Protein change: p.Ala190fs; shifts the reading frame from alanine 190.
Molecular consequence: frameshift variant.
Genome position (GRCh38, 1-based): chr15:84,839,846-84,839,883, 38 bases deleted; deleting any 38 consecutive bases within chr15:84,839,844-84,839,883 gives the same sequence; the c. name uses the placement nearest the transcript's 3' end. GRCh37 (hg19): chr15:85,383,077-85,383,114.
Other names: short protein forms A190fs.
Identifiers: ClinVar variation 4731845 (VCV004731845.1).
Genomic context (GRCh38, chr15:84,839,843, plus strand): 5'-GGTGGGCACCATGACTGAGTACAAGATCCACCAGCGCTGGTTCGCCAAGTTGAAGCGCAA[GGCTGCGGCAAAGCTGCGCGAGATCGAGCAGAGCTGGAA>G]GCACGAGAAGGCGGTGCCTGGGGAGGTCGACACTCTGCGCAAGCTCAGCCCCGACCGCTT-3'